The following is an entry in ClinVar:

ClinVar aggregate classification (germline): Conflicting classifications of pathogenicity. Review status: criteria provided, conflicting classifications (1 of 4 stars). 4 submissions from 4 submitters: Uncertain significance (1); Likely benign (2). 1 of the submissions does not count toward it. Last evaluated 2026-08-01.

Conditions:
ELANE-related disorder. Also called: ELANE-related condition.
Cyclical neutropenia. Also called: Cyclic hematopoiesis; Cyclic Neutropenia. Identifiers: Orphanet 2686, MedGen C0221023, MONDO:0008090, OMIM 162800, HP:0040289. Disease mechanism: loss of function.
Neutropenia, severe congenital, 1, autosomal dominant. Identifiers: MedGen C1859966, MONDO:0042490, OMIM 202700.
Autoinflammatory syndrome. Identifiers: Orphanet 93665, MedGen C3890737, MONDO:0019751.

Submissions (4):

CeGaT Center for Human Genetics Tuebingen
Classification: Likely benign. Last evaluated: 2026-08-01. Review status: criteria provided, single submitter. Criteria: CeGaT Center For Human Genetics Tuebingen Variant Classification Criteria Version 2. Collection method: clinical testing. Allele origin: germline. Affected: yes. Observed: 3 variant alleles.
Comment: ELANE: BP4, BP5

Labcorp Genetics (formerly Invitae), Labcorp
Classification: Likely benign for Neutropenia, severe congenital, 1, autosomal dominant; Cyclical neutropenia. Last evaluated: 2026-01-27. Review status: criteria provided, single submitter. Criteria: Invitae Variant Classification Sherloc (09022015). Collection method: clinical testing. Allele origin: germline.

Genome Diagnostics Laboratory, The Hospital for Sick Children
Classification: Uncertain significance for Autoinflammatory syndrome. Last evaluated: 2017-11-13. Review status: criteria provided, single submitter. Criteria: ACMG Guidelines, 2015. Collection method: clinical testing. Allele origin: germline. Affected: yes.

PreventionGenetics, part of Exact Sciences
Classification: Likely benign for ELANE-related condition. Last evaluated: 2024-04-10. Review status: no assertion criteria provided. Collection method: clinical testing. Allele origin: germline. Not counted in ClinVar's aggregate classification.
Comment: This variant is classified as likely benign based on ACMG/AMP sequence variant interpretation guidelines (Richards et al. 2015 PMID: 25741868, with internal and published modifications).

NM_001972.4(ELANE):c.367-10_367-9dup

Gene: ELANE (elastase, neutrophil expressed; plus strand). Cytogenetic location: 19p13.3.
Variant type: Duplication.
Coding change: c.367-10_367-9dup on transcript NM_001972.4 (MANE Select); 10 bases into the intron before coding-DNA position 367 through 9 bases into the intron before coding-DNA position 367, 2 bases duplicated (AC; older notation c.367-10_367-9dupAC).
Molecular consequence: intron variant.
Genome position (GRCh38, 1-based): chr19:855,554-855,555, AC duplicated; duplicating any 2 consecutive bases within chr19:855,553-855,555 gives the same sequence; the c. name uses the placement nearest the transcript's 3' end. VCF-style (leftmost placement, unchanged base first): chr19-855552-C-CCA. GRCh37 (hg19) VCF-style: chr19-855552-C-CCA.
Identifiers: ClinVar variation 849810 (VCV000849810.21), dbSNP rs750610201, ClinGen allele CA9026034.